The following is an entry in ClinVar:

ClinVar aggregate classification (germline): Uncertain significance. Review status: criteria provided, multiple submitters, no conflicts (2 of 4 stars). 3 submissions from 3 submitters: Uncertain significance (3). Last evaluated 2025-12-10.

Conditions:
Tuberous sclerosis 2 (TSC2). Identifiers: Orphanet 805, MedGen C1860707, MONDO:0013199, OMIM 613254.
Hereditary cancer-predisposing syndrome. Also called: Neoplastic Syndromes, Hereditary; Hereditary Cancer Syndrome; Tumor predisposition; Hereditary neoplastic syndrome. Identifiers: Orphanet 140162, MedGen C0027672, MeSH D009386, MONDO:0015356.

Submissions (3):

Labcorp Genetics (formerly Invitae), Labcorp
Classification: Uncertain significance for Tuberous sclerosis 2. Last evaluated: 2025-12-10. Review status: criteria provided, single submitter. Criteria: Invitae Variant Classification Sherloc (09022015). Collection method: clinical testing. Allele origin: germline.
Comment: This sequence change replaces glutamine, which is neutral and polar, with arginine, which is basic and polar, at codon 864 of the TSC2 protein (p.Gln864Arg). This variant is not present in population databases (gnomAD no frequency). This variant has not been reported in the literature in individuals affected with TSC2-related conditions. ClinVar contains an entry for this variant (Variation ID: 1434239). Invitae Evidence Modeling of protein sequence and biophysical properties (such as structural, functional, and spatial information, amino acid conservation, physicochemical variation, residue mobility, and thermodynamic stability) indicates that this missense variant is not expected to disrupt TSC2 protein function with a negative predictive value of 95%. In summary, the available evidence is currently insufficient to determine the role of this variant in disease. Therefore, it has been classified as a Variant of Uncertain Significance.

GeneDx
Classification: Uncertain significance. Last evaluated: 2025-04-01. Review status: criteria provided, single submitter. Criteria: GeneDx Variant Classification Process June 2021. Collection method: clinical testing. Allele origin: germline. Affected: yes.
Comment: Not observed at significant frequency in large population cohorts (gnomAD); In silico analysis supports that this missense variant has a deleterious effect on protein structure/function; Has not been previously published as pathogenic or benign to our knowledge

Ambry Genetics
Classification: Uncertain significance for Hereditary cancer-predisposing syndrome. Last evaluated: 2025-01-03. Review status: criteria provided, single submitter. Criteria: Ambry Variant Classification Scheme 2023. Collection method: clinical testing. Allele origin: germline.
Comment: The p.Q864R variant (also known as c.2591A>G), located in coding exon 22 of the TSC2 gene, results from an A to G substitution at nucleotide position 2591. The glutamine at codon 864 is replaced by arginine, an amino acid with highly similar properties. This amino acid position is conserved. In addition, this alteration is predicted to be deleterious by in silico analysis. Based on the available evidence, the clinical significance of this variant remains unclear.

NM_000548.5(TSC2):c.2591A>G (p.Gln864Arg)

Gene: TSC2 (TSC complex subunit 2; plus strand). Cytogenetic location: 16p13.3.
Variant type: single nucleotide variant.
Coding change: c.2591A>G on transcript NM_000548.5 (MANE Select); coding-DNA position 2591, A replaced by G.
Protein change: p.Gln864Arg; replaces glutamine 864 with arginine.
Molecular consequence: missense variant.
Genome position (GRCh38, 1-based): chr16:2,075,844, A>G. VCF-style: chr16-2075844-A-G. GRCh37 (hg19) VCF-style: chr16-2125845-A-G.
Other names: c.2591A>G (NM_000548.3); c.2591A>G, p.Gln864Arg (NM_001077183.3, NM_001114382.3, NM_001363528.2 and 3 more transcripts); c.2480A>G, p.Gln827Arg (NM_001318827.2); c.2444A>G, p.Gln815Arg (NM_001318829.2); c.1991A>G, p.Gln664Arg (NM_001318831.2); c.2624A>G, p.Gln875Arg (NM_001318832.2); short protein forms Q815R, Q827R, Q864R, Q875R, Q664R.
Identifiers: ClinVar variation 1434239 (VCV001434239.11), dbSNP rs2151380945, ClinGen allele CA394278392.
Genomic context (GRCh38, chr16:2,075,844, plus strand): 5'-TCTCCATTACCGCAGCTCTGGCCAGGCTGCCGCACCTCTACAGGAACTTTGCCGCGGAGC[A>G]GTATGCCAGTGTGTTCGCCATCTCCCTGCCGTACACCAACCCCTCCAAGTGAGTGGTCGC-3'
Protein context (NP_000539.2, residues 854-874): PHLYRNFAAE[Gln864Arg]YASVFAISLP